The following is an entry in ClinVar:

NM_002361.4(MAG):c.589G>A (p.Val197Met)

Gene: MAG (myelin associated glycoprotein; plus strand). Cytogenetic location: 19q13.12.
Variant type: single nucleotide variant.
Coding change: c.589G>A on transcript NM_002361.4 (MANE Select); coding-DNA position 589, G replaced by A.
Protein change: p.Val197Met; replaces valine 197 with methionine.
Molecular consequence: missense variant.
Genome position (GRCh38, 1-based): chr19:35,299,727, G>A. VCF-style: chr19-35299727-G-A. GRCh37 (hg19) VCF-style: chr19-35790630-G-A.
Other names: c.514G>A, p.Val172Met (NM_001199216.2); c.589G>A, p.Val197Met (NM_080600.3); short protein forms V172M, V197M.
Identifiers: ClinVar variation 1694909 (VCV001694909.31), dbSNP rs2145611305, ClinGen allele CA405308989.

ClinVar aggregate classification (germline): Uncertain significance (1 of 4 stars; one submission).

Allele frequency attached by ClinVar (database versions not stated): gnomAD exomes below 0.00001.
gnomAD v4.1: 2 of 1,568,528 alleles (0.00013%); highest among the groups gnomAD compares: Non-Finnish European, 0.00017%; no homozygotes.

Submission:

CeGaT Center for Human Genetics Tuebingen
Classification: Uncertain significance. Last evaluated: 2022-06-01. Review status: criteria provided, single submitter. Criteria: CeGaT Center For Human Genetics Tuebingen Variant Classification Criteria Version 2. Collection method: clinical testing. Allele origin: germline. Affected: yes. Observed: 1 variant allele.
Comment: MAG: PM2